The following is an entry in ClinVar:

ClinVar aggregate classification (germline): Pathogenic. Review status: criteria provided, multiple submitters, no conflicts (2 of 4 stars). 7 submissions from 7 submitters: Pathogenic (5). 2 of the submissions do not count toward it. Last evaluated 2026-07-08.

Conditions:
Autosomal dominant polycystic kidney disease. Identifiers: Orphanet 730, MedGen C0085413, MONDO:0004691.
Polycystic kidney disease 2 (PKD2). Also called: POLYCYSTIC KIDNEY DISEASE 2 WITH OR WITHOUT POLYCYSTIC LIVER DISEASE; Polycystic Kidney Disease 2, Autosomal Dominant; POLYCYSTIC KIDNEY DISEASE, ADULT, TYPE II. Identifiers: MedGen C2751306, MONDO:0013131, OMIM 613095.
PKD2-related disorder. Also called: PKD2-related condition.
Inborn genetic diseases. Identifiers: MedGen C0950123, MeSH D030342.

Submissions (7):

Victorian Clinical Genetics Services, Murdoch Childrens Research Institute
Classification: Pathogenic for Polycystic kidney disease 2. Last evaluated: 2026-07-08. Review status: criteria provided, single submitter. Criteria: ACMG Guidelines, 2015. Collection method: clinical testing. Allele origin: germline. Affected: yes.
Comment: This variant is classified as Pathogenic. Evidence in support of pathogenic classification: This variant is predicted to cause nonsense-mediated decay (NMD) and loss of protein (premature termination codon is located at least 54 nucleotides upstream of the final exon-exon junction); This variant is present in gnomAD <0.001 for a dominant condition (v4: 2 heterozygote(s), 0 homozygote(s)); This variant has limited previous evidence of pathogenicity in unrelated individual(s). This variant has been classified as pathogenic by clinical laboratories in ClinVar; Other variants comparable to the one identified in this case have very strong previous evidence for pathogenicity (DECIPHER). Additional information: This variant is heterozygous; This gene is associated with autosomal dominant disease; Loss of function is a known mechanism of disease in this gene and is associated with polycystic kidney disease 2 (MIM#613095); Inheritance information for this variant is not currently available in this individual.

PreventionGenetics, part of Exact Sciences
Classification: Pathogenic for PKD2-related condition. Last evaluated: 2025-12-09. Review status: criteria provided, single submitter. Criteria: ACMG Guidelines, 2015. Collection method: clinical testing. Allele origin: germline.
Comment: The PKD2 c.538dupC variant is predicted to result in a frameshift and premature protein termination (p.Leu180Profs*33). This variant was reported in individuals with autosomal dominant polycystic kidney disease (ADPKD) (reported as "ins C 534-538", Veldhuisen et al. 1997. PubMed ID: 9326320; Table S7, Groopman et al. 2018. PubMed ID: 30586318). This variant has not been reported in a large population database (gnomAD), indicating this variant is rare. Frameshift variants in PKD2 are expected to be pathogenic. This variant is interpreted as pathogenic.

Blueprint Genetics
Classification: Pathogenic for PKD2-related disorders. Last evaluated: 2022-03-18. Review status: criteria provided, single submitter. Criteria: ACMG Guidelines, 2015. Collection method: clinical testing. Allele origin: germline. Affected: yes. Observed: 1 variant allele.

Ambry Genetics
Classification: Pathogenic for Inborn genetic diseases. Last evaluated: 2021-11-24. Review status: criteria provided, single submitter. Criteria: Ambry Variant Classification Scheme 2023. Collection method: clinical testing. Allele origin: germline.
Comment: The c.538dupC (p.L180Pfs*33) alteration, located in exon 1 (coding exon 1) of the PKD2 gene, consists of a duplication of C at position 538, causing a translational frameshift with a predicted alternate stop codon after 33 amino acids. This alteration is expected to result in loss of function by premature protein truncation or nonsense-mediated mRNA decay. This variant was not reported in population-based cohorts in the Genome Aggregation Database (gnomAD). This mutation was identified in one autosomal dominant polycystic kidney family (Veldhuisen, 1997). Based on the available evidence, this alteration is classified as pathogenic.

Department of Pathology and Laboratory Medicine, Sinai Health System
Classification: Pathogenic for Polycystic kidney disease 2. Last evaluated: 2019-11-26. Review status: criteria provided, single submitter. Criteria: ACMG Guidelines, 2015. Collection method: clinical testing. Allele origin: germline. Affected: yes.

Laboratory of Gastroenterology and Hepatology, Radboud University Medical Center
Classification: Pathogenic for Autosomal dominant polycystic kidney disease. Last evaluated: 2021-09-01. Review status: no assertion criteria provided. Collection method: research. Allele origin: germline. Affected: yes. Not counted in ClinVar's aggregate classification.

Gharavi Laboratory, Columbia University
Classification: Pathogenic. Last evaluated: 2018-09-16. Review status: no assertion criteria provided. Criteria: ACMG Guidelines, 2015. Collection method: research. Allele origin: germline. Affected: yes. Not counted in ClinVar's aggregate classification.

Literature cited by the submitters: PubMed 9326320 (cited by Ambry Genetics and Department of Pathology and Laboratory Medicine, Sinai Health System).

NM_000297.4(PKD2):c.538dup (p.Leu180fs)

Genes: PKD2 (polycystin 2, transient receptor potential cation channel; plus strand), LOC129992813 (ATAC-STARR-seq lymphoblastoid silent region 15559; plus strand). Cytogenetic location: 4q22.1.
Variant type: Duplication.
Coding change: c.538dup on transcript NM_000297.4 (MANE Select); coding-DNA position 538, one base duplicated (C; older notation c.538dupC).
Protein change: p.Leu180fs; shifts the reading frame from leucine 180.
Molecular consequence: frameshift variant. On other transcripts: non-coding transcript variant (1).
Genome position (GRCh38, 1-based): chr4:88,008,271, C duplicated; the last of 5 consecutive C bases (chr4:88,008,267-88,008,271); duplicating any one gives the same sequence. VCF-style (leftmost placement, unchanged base first): chr4-88008266-T-TC. GRCh37 (hg19) VCF-style: chr4-88929418-T-TC.
Other names: c.538dupC (NM_000297.3); c.538dup (NM_000297.3); short protein forms L180fs.
Identifiers: ClinVar variation 562301 (VCV000562301.36), dbSNP rs1371793191, ClinGen allele CA658821195.